The following is an entry in ClinVar:

NM_006015.6(ARID1A):c.6172G>C (p.Glu2058Gln)

Gene: ARID1A (AT-rich interaction domain 1A; plus strand). Cytogenetic location: 1p36.11.
Variant type: single nucleotide variant.
Coding change: c.6172G>C on transcript NM_006015.6 (MANE Select); coding-DNA position 6172, G replaced by C.
Protein change: p.Glu2058Gln; replaces glutamic acid 2058 with glutamine.
Molecular consequence: missense variant.
Genome position (GRCh38, 1-based): chr1:26,780,070, G>C. VCF-style: chr1-26780070-G-C. GRCh37 (hg19) VCF-style: chr1-27106561-G-C.
Other names: c.5521G>C, p.Glu1841Gln (NM_139135.4); short protein forms E1841Q, E2058Q.
Identifiers: ClinVar variation 2626951 (VCV002626951.1), dbSNP rs2522049608, ClinGen allele CA339190509.
Genomic context (GRCh38, chr1:26,780,070, plus strand): 5'-GACCAAGGGGTGAGCTGCAACAAAGTGGAGTGGTGGTGGGACTGCTTGGAGATGCTCCGG[G>C]AAAACACCTTGGTTACACTCGCCAACATCTCGGGGCAGTTGGACCTATCTCCATACCCCG-3'
Protein context (NP_006006.3, residues 2048-2068): WWWDCLEMLR[Glu2058Gln]NTLVTLANIS

ClinVar aggregate classification (germline): Uncertain significance (1 of 4 stars; one submission).

Submission:

Greenwood Genetic Center Diagnostic Laboratories, Greenwood Genetic Center
Classification: Uncertain significance. Last evaluated: 2023-09-19. Review status: criteria provided, single submitter. Criteria: ACMG Guidelines, 2015. Collection method: clinical testing. Allele origin: germline. Affected: yes.
Comment: PM2